The following is an entry in ClinVar:

NM_152558.5(IQCE):c.831G>A (p.Leu277=)

Gene: IQCE (IQ motif containing E; plus strand). Cytogenetic location: 7p22.3.
Variant type: single nucleotide variant.
Coding change: c.831G>A on transcript NM_152558.5 (MANE Select); coding-DNA position 831, G replaced by A.
Protein change: p.Leu277=; no amino-acid change (leucine 277 retained).
Molecular consequence: synonymous variant.
Genome position (GRCh38, 1-based): chr7:2,586,214, G>A. VCF-style: chr7-2586214-G-A. GRCh37 (hg19) VCF-style: chr7-2625848-G-A.
Other names: NC_000007.13:g.2625848G>A; c.831G>A, p.Leu277= (NM_001287499.2); c.783G>A, p.Leu261= (NM_001287500.2); c.636G>A, p.Leu212= (NM_001287501.2, NM_001287502.2).
Identifiers: ClinVar variation 770734 (VCV000770734.9), dbSNP rs191503365, ClinGen allele CA4128921.

ClinVar aggregate classification (germline): Benign/Likely benign. Review status: criteria provided, multiple submitters, no conflicts (2 of 4 stars). 3 submissions from 3 submitters: Benign (1); Likely benign (2). Last evaluated 2026-06-17.

Conditions:
IQCE-related disorder. Also called: IQCE-related condition.

Allele frequency attached by ClinVar (database versions not stated): 1000 Genomes Project 0.00140; 1000 Genomes Project 30x 0.00141; TOPMed 0.00179; ESP Exome Variant Server 0.00255; gnomAD exomes 0.00261 and 0.00299; ExAC 0.00265; gnomAD 0.00271 and 0.00279.
gnomAD v4.1: 4,757 of 1,613,308 alleles (0.29%); highest among the groups gnomAD compares: Non-Finnish European, 0.31%; 14 homozygotes.

Submissions (7):

PreventionGenetics, part of Exact Sciences
Classification: Likely benign for IQCE-related condition. Last evaluated: 2026-06-17. Review status: criteria provided, single submitter. Criteria: ACMG Guidelines, 2015. Collection method: clinical testing. Allele origin: germline.
Comment: This variant is classified as likely benign based on ACMG/AMP sequence variant interpretation guidelines (Richards et al. 2015 PMID: 25741868, with internal and published modifications).

CeGaT Center for Human Genetics Tuebingen
Classification: Likely benign. Last evaluated: 2026-01-01. Review status: criteria provided, single submitter. Criteria: CeGaT Center For Human Genetics Tuebingen Variant Classification Criteria Version 2. Collection method: clinical testing. Allele origin: germline. Affected: yes. Observed: 1 variant allele.
Comment: IQCE: BP4, BP7

Labcorp Genetics (formerly Invitae), Labcorp
Classification: Benign. Last evaluated: 2017-08-09. Review status: criteria provided, single submitter. Criteria: Invitae Variant Classification Sherloc (09022015). Collection method: clinical testing. Allele origin: germline.

Dr. Peter K. Rogan Lab, Western University
No classification provided (evidence only). Condition: Clear cell carcinoma of kidney. Review status: no classification provided. Collection method: in vitro. Allele origin: not applicable. Functional consequence: retained intron. Not counted in ClinVar's aggregate classification.

Dr. Peter K. Rogan Lab, Western University
No classification provided (evidence only). Condition: Familial cancer of breast. Review status: no classification provided. Collection method: in vitro. Allele origin: not applicable. Functional consequence: retained intron. Not counted in ClinVar's aggregate classification.

Dr. Peter K. Rogan Lab, Western University
No classification provided (evidence only). Condition: Thyroid cancer, nonmedullary, 1. Review status: no classification provided. Collection method: in vitro. Allele origin: not applicable. Functional consequence: retained intron. Not counted in ClinVar's aggregate classification.

Dr. Peter K. Rogan Lab, Western University
No classification provided (evidence only). Condition: Ovarian serous cystadenocarcinoma. Review status: no classification provided. Collection method: in vitro. Allele origin: not applicable. Functional consequence: retained intron. Not counted in ClinVar's aggregate classification.